The following is an entry in ClinVar:

ClinVar aggregate classification (germline): Pathogenic. Review status: criteria provided, multiple submitters, no conflicts (2 of 4 stars). 5 submissions from 5 submitters: Pathogenic (4). 1 of the submissions does not count toward it. Last evaluated 2025-03-10.

Conditions:
Amyotrophic lateral sclerosis type 6. Also called: FUS-Related Amyotrophic Laterial Sclerosis; Amyotrophic lateral sclerosis 6, with or without frontotemporal dementia; AMYOTROPHIC LATERAL SCLEROSIS 6 WITHOUT FRONTOTEMPORAL DEMENTIA. Identifiers: Orphanet 275872, Orphanet 803, MedGen C2931786, MONDO:0011951, OMIM 608030.
Tremor, hereditary essential, 4 (ETM4). Identifiers: MedGen C3539195, MONDO:0013888, OMIM 614782.

Allele frequency attached by ClinVar (database versions not stated): gnomAD exomes below 0.00001.

Submissions (5):

Labcorp Genetics (formerly Invitae), Labcorp
Classification: Pathogenic for Tremor, hereditary essential, 4; Amyotrophic lateral sclerosis type 6. Last evaluated: 2025-03-10. Review status: criteria provided, single submitter. Criteria: Invitae Variant Classification Sherloc (09022015). Collection method: clinical testing. Allele origin: germline.
Comment: This sequence change replaces arginine, which is basic and polar, with histidine, which is basic and polar, at codon 521 of the FUS protein (p.Arg521His). This variant is present in population databases (rs121909671, gnomAD 0.0009%). This missense change has been observed in individuals with amyotrophic lateral sclerosis (PMID: 19251627, 22340366, 23217123, 27604643, 28430856). ClinVar contains an entry for this variant (Variation ID: 16225). An algorithm developed to predict the effect of missense changes on protein structure and function (PolyPhen-2) suggests that this variant is likely to be disruptive. This variant disrupts the p.Arg521 amino acid residue in FUS. Other variant(s) that disrupt this residue have been determined to be pathogenic (PMID: 19251627, 19251628, 20577002, 20621307, 22055719, 22340366, 26500017; internal data). This suggests that this residue is clinically significant, and that variants that disrupt this residue are likely to be disease-causing. For these reasons, this variant has been classified as Pathogenic.

Institute of Human Genetics Munich, TUM University Hospital
Classification: Pathogenic for Amyotrophic lateral sclerosis type 6. Last evaluated: 2024-10-21. Review status: criteria provided, single submitter. Criteria: Classification criteria August 2017. Collection method: clinical testing. Allele origin: germline. Inheritance: Autosomal dominant inheritance. Affected: yes. Observed: 1 variant allele.

CeGaT Center for Human Genetics Tuebingen
Classification: Pathogenic. Last evaluated: 2024-02-01. Review status: criteria provided, single submitter. Criteria: CeGaT Center For Human Genetics Tuebingen Variant Classification Criteria Version 2. Collection method: clinical testing. Allele origin: germline. Affected: yes. Observed: 1 variant allele.
Comment: FUS: PM1, PM2, PM5, PS3:Moderate, PS4:Moderate

Neuberg Centre For Genomic Medicine, NCGM
Classification: Pathogenic for Amyotrophic lateral sclerosis type 6. Review status: criteria provided, single submitter. Criteria: ACMG Guidelines, 2015. Collection method: clinical testing. Allele origin: germline. Affected: yes.
Comment: The missense variant p.R521H in FUS (NM_004960.4) has been previously reported in affected families (Kwiatkowski, T et al, Vance, C et al). It has been classified as Pathogenic in the ClinVar database. Another substitution affecting the same aminoacid R251C has been reported in multiple families with ALS, based on which the residue can be considered as significant. Functional studies have shown a damaging effect (Vance C et al, 2013). The missense variant c.1562G>A (p.R521H) in FUS (NM_004960.4) is observed in 1/113646 (0.0009%) alleles from individuals of European (Non-Finnish) background in the gnomAD dataset (Exome Aggregation Consortium et al., 2016), but was not seen in the homozygous state. The p.R521H missense variant is predicted to be damaging by both SIFT and PolyPhen2. The nucleotide c.1562 in FUS is predicted conserved by GERP++ and PhyloP across 100 vertebrates. For these reasons, this variant has been classified as Pathogenic.

OMIM
Classification: Pathogenic for AMYOTROPHIC LATERAL SCLEROSIS 6 WITHOUT FRONTOTEMPORAL DEMENTIA. Last evaluated: 2009-02-27. Review status: no assertion criteria provided. Collection method: literature only. Allele origin: germline. Not counted in ClinVar's aggregate classification.

Literature cited by the submitters: PubMed 19251627 (cited by Labcorp Genetics (formerly Invitae), Labcorp and OMIM); PubMed 22340366 (cited by Labcorp Genetics (formerly Invitae), Labcorp); PubMed 23217123 (cited by Labcorp Genetics (formerly Invitae), Labcorp); PubMed 27604643 (cited by Labcorp Genetics (formerly Invitae), Labcorp); PubMed 28430856 (cited by Labcorp Genetics (formerly Invitae), Labcorp); PubMed 19251628 (cited by Labcorp Genetics (formerly Invitae), Labcorp and OMIM); PubMed 20577002 (cited by Labcorp Genetics (formerly Invitae), Labcorp); PubMed 20621307 (cited by Labcorp Genetics (formerly Invitae), Labcorp); PubMed 22055719 (cited by Labcorp Genetics (formerly Invitae), Labcorp); PubMed 26500017 (cited by Labcorp Genetics (formerly Invitae), Labcorp).

NM_004960.4(FUS):c.1562G>A (p.Arg521His)

Gene: FUS (FUS DNA/RNA binding protein; plus strand). Cytogenetic location: 16p11.2.
Variant type: single nucleotide variant.
Coding change: c.1562G>A on transcript NM_004960.4 (MANE Select); coding-DNA position 1562, G replaced by A.
Protein change: p.Arg521His; replaces arginine 521 with histidine.
Molecular consequence: missense variant. On other transcripts: non-coding transcript variant (1).
Genome position (GRCh38, 1-based): chr16:31,191,419, G>A. VCF-style: chr16-31191419-G-A. GRCh37 (hg19) VCF-style: chr16-31202740-G-A.
Other names: c.1559G>A, p.Arg520His (NM_001170634.1); c.1550G>A, p.Arg517His (NM_001170937.1); short protein forms R521H, R517H, R520H.
Identifiers: ClinVar variation 16225 (VCV000016225.36), dbSNP rs121909671, ClinGen allele CA257443.